The following is an entry in ClinVar:

NM_000059.4(BRCA2):c.5687C>A (p.Ala1896Glu)

Gene: BRCA2 (BRCA2 DNA repair associated; plus strand). Cytogenetic location: 13q13.1.
Variant type: single nucleotide variant.
Coding change: c.5687C>A on transcript NM_000059.4 (MANE Select); coding-DNA position 5687, C replaced by A.
Protein change: p.Ala1896Glu; replaces alanine 1896 with glutamic acid.
Molecular consequence: missense variant.
Genome position (GRCh38, 1-based): chr13:32,340,042, C>A. VCF-style: chr13-32340042-C-A. GRCh37 (hg19) VCF-style: chr13-32914179-C-A.
Other names: p.A1896E:GCA>GAA; short protein forms A1896E.
Identifiers: ClinVar variation 182220 (VCV000182220.12), dbSNP rs730881539, ClinGen allele CA022984.
Genomic context (GRCh38, chr13:32,340,042, plus strand): 5'-AAAACAACGAGAATAAATCAAAAATTTGCCAAACGAAAATTATGGCAGGTTGTTACGAGG[C>A]ATTGGATGATTCAGAGGATATTCTTCATAACTCTCTAGATAATGATGAATGTAGCACGCA-3'
Protein context (NP_000050.3, residues 1886-1906): QTKIMAGCYE[Ala1896Glu]LDDSEDILHN

ClinVar aggregate classification (germline): Conflicting classifications of pathogenicity. Review status: criteria provided, conflicting classifications (1 of 4 stars). 5 submissions from 5 submitters: Uncertain significance (4); Likely benign (1). Last evaluated 2025-09-05.

Conditions:
Hereditary cancer-predisposing syndrome. Also called: Tumor predisposition; Hereditary Cancer Syndrome; Hereditary neoplastic syndrome; Neoplastic Syndromes, Hereditary. Identifiers: Orphanet 140162, MedGen C0027672, MeSH D009386, MONDO:0015356.
Hereditary breast ovarian cancer syndrome. Also called: Breast and ovarian cancer; Hereditary breast and ovarian cancer; Hereditary breast and/or ovarian cancer syndrome; BRCA1- and BRCA2-Associated Hereditary Breast and Ovarian Cancer; Hereditary breast and ovarian cancer syndrome (HBOC); Hereditary breast and ovarian cancer syndrome. Identifiers: Orphanet 145, MedGen C0677776, MeSH D061325, MONDO:0003582. Disease mechanism: loss of function.

Submissions (5):

Color Diagnostics, LLC DBA Color Health
Classification: Uncertain significance for Hereditary cancer-predisposing syndrome. Last evaluated: 2025-09-05. Review status: criteria provided, single submitter. Criteria: ACMG Guidelines, 2015. Collection method: clinical testing. Allele origin: germline.
Comment: This missense variant replaces alanine with glutamic acid at codon 1896 of the BRCA2 protein. Computational prediction suggests that this variant may not impact protein structure and function. A functional study has reported that this variant does not impact BRCA2 in a haploid cell proliferation assay (PMID: 35190686). To our knowledge, this variant has not been reported in individuals affected with BRCA2-related disorders in the literature. This variant has not been identified in the general population by the Genome Aggregation Database (gnomAD). Although there is a suspicion that this variant may not be associated with disease, additional studies are necessary to determine the role of this variant in disease conclusively. Therefore, this variant is classified as a Variant of Uncertain Significance.

Ambry Genetics
Classification: Uncertain significance for Hereditary cancer-predisposing syndrome. Last evaluated: 2025-06-02. Review status: criteria provided, single submitter. Criteria: Ambry Variant Classification Scheme 2023. Collection method: clinical testing. Allele origin: germline.
Comment: The p.A1896E variant (also known as c.5687C>A), located in coding exon 10 of the BRCA2 gene, results from a C to A substitution at nucleotide position 5687. The alanine at codon 1896 is replaced by glutamic acid, an amino acid with dissimilar properties. This amino acid position is conserved. In addition, this alteration is predicted to be tolerated by in silico analysis. Based on the available evidence, the clinical significance of this variant remains unclear.

Labcorp Genetics (formerly Invitae), Labcorp
Classification: Uncertain significance for Hereditary breast ovarian cancer syndrome. Last evaluated: 2024-10-21. Review status: criteria provided, single submitter. Criteria: Invitae Variant Classification Sherloc (09022015). Collection method: clinical testing. Allele origin: germline.
Comment: This sequence change replaces alanine, which is neutral and non-polar, with glutamic acid, which is acidic and polar, at codon 1896 of the BRCA2 protein (p.Ala1896Glu). This variant is not present in population databases (gnomAD no frequency). This variant has not been reported in the literature in individuals affected with BRCA2-related conditions. ClinVar contains an entry for this variant (Variation ID: 182220). Invitae Evidence Modeling of protein sequence and biophysical properties (such as structural, functional, and spatial information, amino acid conservation, physicochemical variation, residue mobility, and thermodynamic stability) indicates that this missense variant is not expected to disrupt BRCA2 protein function with a negative predictive value of 95%. In summary, the available evidence is currently insufficient to determine the role of this variant in disease. Therefore, it has been classified as a Variant of Uncertain Significance.

University of Washington Department of Laboratory Medicine, University of Washington
Classification: Likely benign for Hereditary cancer-predisposing syndrome. Last evaluated: 2023-03-23. Review status: criteria provided, single submitter. Criteria: Dines et al. (Genet Med. 2020). Collection method: curation. Allele origin: germline.
Comment: Missense variant in a coldspot region where missense variants are very unlikely to be pathogenic (PMID:31911673).

BRCA2 exon 11 coldspot. Reclassification based on statistical prior probability.

GeneDx
Classification: Uncertain significance. Last evaluated: 2014-01-20. Review status: criteria provided, single submitter. Criteria: GeneDx Variant Classification (06012015). Collection method: clinical testing. Allele origin: germline. Affected: yes.
Comment: This variant is denoted BRCA2 c.5687C>A at the cDNA level, p.Ala1896Glu (A1896E) at the protein level, and results in the change of an Alanine to a Glutamic Acid (GCA>GAA). This variant has not, to our knowledge, been published in the literature as pathogenic or benign. BRCA2 Ala1896Glu was not observed in approximately 6,500 individuals of European and African American ancestry in the NHLBI Exome Sequencing Project, indicating it is not a common benign variant in these populations. This variant is a non-conservative substitution in which a neutral non-polar amino acid is replaced with a negative polar one, altering a position that is moderately conserved throughout evolution and is not located in a known functional domain. In silico analyses predict this variant to have a benign effect on protein structure and function. Based on the currently available information, we consider BRCA2 Ala1896Glu to be a variant of uncertain significance.

Literature cited by the submitters: PubMed 35190686 (cited by Color Diagnostics, LLC DBA Color Health).